The following is an entry in ClinVar:

NM_014516.4(CNOT3):c.2233C>T (p.Arg745Cys)

Genes: CNOT3 (CCR4-NOT transcription complex subunit 3; plus strand), LENG1 (leukocyte receptor cluster member 1; minus strand). Cytogenetic location: 19q13.42.
Variant type: single nucleotide variant.
Coding change: c.2233C>T on transcript NM_014516.4 (MANE Select); coding-DNA position 2233, C replaced by T.
Protein change: p.Arg745Cys; replaces arginine 745 with cysteine.
Molecular consequence: missense variant. On other transcripts: 3 prime UTR variant (1).
Genome position (GRCh38, 1-based): chr19:54,155,378, C>T. VCF-style: chr19-54155378-C-T. GRCh37 (hg19) VCF-style: chr19-54659116-C-T.
Other names: c.*343G>A (NM_024316.3); short protein forms R745C.
Identifiers: ClinVar variation 3392632 (VCV003392632.2).

ClinVar aggregate classification (germline): Uncertain significance (1 of 4 stars; one submission).

Submission:

GeneDx
Classification: Uncertain significance. Last evaluated: 2026-01-18. Review status: criteria provided, single submitter. Criteria: GeneDx Variant Classification Process June 2021. Collection method: clinical testing. Allele origin: germline.
Comment: Not observed at significant frequency in large population cohorts (gnomAD); In silico analysis supports that this missense variant has a deleterious effect on protein structure/function; Has not been previously published as pathogenic or benign to our knowledge